The following is an entry in ClinVar:

ClinVar aggregate classification (germline): Likely pathogenic (1 of 4 stars; one submission).

Submission:

Labcorp Genetics (formerly Invitae), Labcorp
Classification: Likely pathogenic. Last evaluated: 2025-07-31. Review status: criteria provided, single submitter. Criteria: Invitae Variant Classification Sherloc (09022015). Collection method: clinical testing. Allele origin: germline.
Comment: This sequence change affects a donor splice site in intron 21 of the CARMIL2 gene. It is expected to disrupt RNA splicing. Variants that disrupt the donor or acceptor splice site typically lead to a loss of protein function (PMID: 16199547), and loss-of-function variants in CARMIL2 are known to be pathogenic (PMID: 27647349, 28112205). This variant is not present in population databases (gnomAD no frequency). This variant has not been reported in the literature in individuals affected with CARMIL2-related conditions. Algorithms developed to predict the effect of sequence changes on RNA splicing suggest that this variant may disrupt the consensus splice site. In summary, the currently available evidence indicates that the variant is pathogenic, but additional data are needed to prove that conclusively. Therefore, this variant has been classified as Likely Pathogenic.

Literature cited by the submitters: PubMed 16199547; PubMed 27647349; PubMed 28112205.

NM_001013838.3(CARMIL2):c.2082+1G>C

Gene: CARMIL2 (capping protein regulator and myosin 1 linker 2; plus strand). Cytogenetic location: 16q22.1.
Variant type: single nucleotide variant.
Coding change: c.2082+1G>C on transcript NM_001013838.3 (MANE Select); the canonical splice donor site of the intron after coding-DNA position 2082, G replaced by C.
Molecular consequence: splice donor variant.
Genome position (GRCh38, 1-based): chr16:67,649,969, G>C. VCF-style: chr16-67649969-G-C. GRCh37 (hg19) VCF-style: chr16-67683872-G-C.
Other names: c.1974+1G>C (NM_001438835.1, NM_001438244.1, NM_001317026.3).
Identifiers: ClinVar variation 4724300 (VCV004724300.1).